The following is an entry in ClinVar:

NC_000016.10:g.(89779004_89779868)_(89783103_89784853)del

Gene: FANCA (FA complementation group A; minus strand). Cytogenetic location: 16q24.3.
Variant type: Deletion.
Identifiers: ClinVar variation 974223 (VCV000974223.1).

ClinVar aggregate classification (germline): Uncertain significance (0 of 4 stars; one submission).

Conditions:
Fanconi anemia complementation group A (FANCA). Also called: Fanconi anemia, group A; FANCA-Related Fanconi Anemia. Identifiers: Orphanet 84, MedGen C3469521, MONDO:0009215, OMIM 227650.

Submission:

Leiden Open Variation Database
Classification: Uncertain significance for Fanconi anemia complementation group A. Last evaluated: 2020-02-28. Review status: no assertion criteria provided. Collection method: curation. Allele origin: germline. Affected: yes.
Comment: Curator: Arleen D. Auerbach. Submitter to LOVD: Arleen D. Auerbach.